The following is an entry in ClinVar:

NM_201599.3(ZMYM3):c.2000A>C (p.Asp667Ala)

Gene: ZMYM3 (zinc finger MYM-type containing 3; minus strand). Cytogenetic location: Xq13.1.
Variant type: single nucleotide variant.
Coding change: c.2000A>C on transcript NM_201599.3 (MANE Select); coding-DNA position 2000, A replaced by C.
Protein change: p.Asp667Ala; replaces aspartic acid 667 with alanine.
Molecular consequence: missense variant.
Genome position (GRCh38, 1-based): chrX:71,247,882, T>G on the plus strand (A>C on the coding strand, the complement: ZMYM3 is on the minus strand). VCF-style: chrX-71247882-T-G. GRCh37 (hg19) VCF-style: chrX-70467732-T-G.
Other names: c.2000A>C, p.Asp667Ala (NM_001171162.1, NM_005096.3); short protein forms D667A.
Identifiers: ClinVar variation 2580111 (VCV002580111.1), dbSNP rs2519829192, ClinGen allele CA413514339.

ClinVar aggregate classification (germline): Uncertain significance (1 of 4 stars; one submission).

Submission:

GeneDx
Classification: Uncertain significance. Last evaluated: 2023-09-11. Review status: criteria provided, single submitter. Criteria: GeneDx Variant Classification Process June 2021. Collection method: clinical testing. Allele origin: germline. Affected: yes.
Comment: Has not been previously published as pathogenic or benign to our knowledge; In silico analysis supports that this missense variant has a deleterious effect on protein structure/function; Not observed in large population cohorts (gnomAD)